The following is an entry in ClinVar:

NM_000238.4(KCNH2):c.3385C>G (p.Gln1129Glu)

Gene: KCNH2 (potassium voltage-gated channel subfamily H member 2; minus strand). Cytogenetic location: 7q36.1.
Variant type: single nucleotide variant.
Coding change: c.3385C>G on transcript NM_000238.4 (MANE Select); coding-DNA position 3385, C replaced by G.
Protein change: p.Gln1129Glu; replaces glutamine 1129 with glutamic acid.
Molecular consequence: missense variant. On other transcripts: non-coding transcript variant (2).
Genome position (GRCh38, 1-based): chr7:150,945,460, G>C on the plus strand (C>G on the coding strand, the complement: KCNH2 is on the minus strand). VCF-style: chr7-150945460-G-C. GRCh37 (hg19) VCF-style: chr7-150642548-G-C.
Other names: c.3097C>G, p.Gln1033Glu (NM_001406753.1); c.2365C>G, p.Gln789Glu (NM_172057.3); short protein forms Q1033E, Q1129E, Q789E.
Identifiers: ClinVar variation 2840969 (VCV002840969.3), dbSNP rs2485995028, ClinGen allele CA369851520.

ClinVar aggregate classification (germline): Uncertain significance (1 of 4 stars; one submission).

Conditions:
Long QT syndrome (LQTS). Identifiers: MedGen C0023976, MeSH D008133, MONDO:0002442. Disease mechanism: loss of function. Inheritance: Various modes of inheritance.

Submission:

Labcorp Genetics (formerly Invitae), Labcorp
Classification: Uncertain significance for Long QT syndrome. Last evaluated: 2023-02-26. Review status: criteria provided, single submitter. Criteria: Invitae Variant Classification Sherloc (09022015). Collection method: clinical testing. Allele origin: germline.
Comment: In summary, the available evidence is currently insufficient to determine the role of this variant in disease. Therefore, it has been classified as a Variant of Uncertain Significance. An algorithm developed to predict the effect of missense changes on protein structure and function (PolyPhen-2) suggests that this variant is likely to be tolerated. This variant has not been reported in the literature in individuals affected with KCNH2-related conditions. This variant is not present in population databases (gnomAD no frequency). This sequence change replaces glutamine, which is neutral and polar, with glutamic acid, which is acidic and polar, at codon 1129 of the KCNH2 protein (p.Gln1129Glu).